The following is an entry in ClinVar:

NM_152564.5(VPS13B):c.1615G>A (p.Asp539Asn)

Gene: VPS13B (vacuolar protein sorting 13 homolog B; plus strand). Cytogenetic location: 8q22.2.
Variant type: single nucleotide variant.
Coding change: c.1615G>A on transcript NM_152564.5 (MANE Select); coding-DNA position 1615, G replaced by A.
Protein change: p.Asp539Asn; replaces aspartic acid 539 with asparagine.
Molecular consequence: missense variant.
Genome position (GRCh38, 1-based): chr8:99,136,716, G>A. VCF-style: chr8-99136716-G-A. GRCh37 (hg19) VCF-style: chr8-100148944-G-A.
Other names: c.1615G>A, p.Asp539Asn (NM_015243.3, NM_017890.5); c.1615G>A (NM_017890.3, NM_152564.4); short protein forms D539N.
Identifiers: ClinVar variation 838019 (VCV000838019.10), dbSNP rs774992590, ClinGen allele CA4822685.
Genomic context (GRCh38, chr8:99,136,716, plus strand): 5'-TGTTGGCAGGAGACATACACTGAGATAGCTGGAATGCAACGGTTTGGGGCTTTTTATATG[G>A]ATTACCTGTATACAATGGAGAACACTAGTGGCAAAGGTATTGGCTTCTTTCCTTTATGTG-3'
Protein context (NP_689777.3, residues 529-549): GMQRFGAFYM[Asp539Asn]YLYTMENTSG

ClinVar aggregate classification (germline): Uncertain significance. Review status: criteria provided, multiple submitters, no conflicts (2 of 4 stars). 4 submissions from 4 submitters: Uncertain significance (3). 1 of the submissions does not count toward it. Last evaluated 2026-07-01.

Conditions:
Cohen syndrome (COH1). Also called: PEPPER SYNDROME; Cutis verticis gyrata, retinitis pigmentosa, and sensorineural deafness. Identifiers: Orphanet 193, MedGen C0265223, MONDO:0008999, OMIM 216550.
VPS13B-related disorder. Also called: VPS13B-related condition.
Inborn genetic diseases. Identifiers: MedGen C0950123, MeSH D030342.

Allele frequency attached by ClinVar (database versions not stated): gnomAD 0.00001; gnomAD exomes 0.00001; TOPMed 0.00001; ExAC 0.00002.
gnomAD v4.1: 11 of 1,613,488 alleles (0.00068%); highest among the groups gnomAD compares: Non-Finnish European, 0.00093%; no homozygotes.

Submissions (4):

PreventionGenetics, part of Exact Sciences
Classification: Uncertain significance for VPS13B-related condition. Last evaluated: 2026-07-01. Review status: criteria provided, single submitter. Criteria: ACMG Guidelines, 2015. Collection method: clinical testing. Allele origin: germline.
Comment: The VPS13B c.1615G>A variant is predicted to result in the amino acid substitution p.Asp539Asn. To our knowledge, this variant has not been reported in the literature. This variant is reported in 0.0026% of alleles in individuals of European (Non-Finnish) descent in gnomAD. At this time, the clinical significance of this variant is uncertain due to the absence of conclusive functional and genetic evidence.

Ambry Genetics
Classification: Uncertain significance for Inborn genetic diseases. Last evaluated: 2026-03-27. Review status: criteria provided, single submitter. Criteria: Ambry Variant Classification Scheme 2023. Collection method: clinical testing. Allele origin: germline.
Comment: The c.1615G>A (p.D539N) alteration is located in exon 12 (coding exon 11) of the VPS13B gene. This alteration results from a G to A substitution at nucleotide position 1615, causing the aspartic acid (D) at amino acid position 539 to be replaced by an asparagine (N). Based on data from gnomAD, the A allele has an overall frequency of 0.001% (3/251402) total alleles studied. The highest observed frequency was 0.003% (3/113692) of European (non-Finnish) alleles. Based on insufficient or conflicting evidence, the clinical significance of this alteration remains unclear.

Labcorp Genetics (formerly Invitae), Labcorp
Classification: Uncertain significance for Cohen syndrome. Last evaluated: 2022-07-19. Review status: criteria provided, single submitter. Criteria: Invitae Variant Classification Sherloc (09022015). Collection method: clinical testing. Allele origin: germline.
Comment: This sequence change replaces aspartic acid, which is acidic and polar, with asparagine, which is neutral and polar, at codon 539 of the VPS13B protein (p.Asp539Asn). This variant is present in population databases (rs774992590, gnomAD 0.003%). This variant has not been reported in the literature in individuals affected with VPS13B-related conditions. ClinVar contains an entry for this variant (Variation ID: 838019). Algorithms developed to predict the effect of missense changes on protein structure and function are either unavailable or do not agree on the potential impact of this missense change (SIFT: "Not Available"; PolyPhen-2: "Possibly Damaging"; Align-GVGD: "Not Available"). In summary, the available evidence is currently insufficient to determine the role of this variant in disease. Therefore, it has been classified as a Variant of Uncertain Significance.

Natera, Inc.
Classification: Uncertain significance for Cohen syndrome. Last evaluated: 2020-08-13. Review status: no assertion criteria provided. Collection method: clinical testing. Allele origin: germline. Not counted in ClinVar's aggregate classification.